The following is an entry in ClinVar:

NM_173672.5(PPIL6):c.451G>A (p.Asp151Asn)

Gene: PPIL6 (peptidylprolyl isomerase like 6; minus strand). Cytogenetic location: 6q21.
Variant type: single nucleotide variant.
Coding change: c.451G>A on transcript NM_173672.5 (MANE Select); coding-DNA position 451, G replaced by A.
Protein change: p.Asp151Asn; replaces aspartic acid 151 with asparagine.
Molecular consequence: missense variant. On other transcripts: non-coding transcript variant (1).
Genome position (GRCh38, 1-based): chr6:109,427,126, C>T on the plus strand (G>A on the coding strand, the complement: PPIL6 is on the minus strand). VCF-style: chr6-109427126-C-T. GRCh37 (hg19) VCF-style: chr6-109748329-C-T.
Other names: c.451G>A, p.Asp151Asn (NM_001111298.2); c.355G>A, p.Asp119Asn (NM_001286360.1, NM_001286361.1); short protein forms D119N, D151N.
Identifiers: ClinVar variation 3235743 (VCV003235743.1), dbSNP rs2482643007, ClinGen allele CA365204764.

ClinVar aggregate classification (germline): Uncertain significance (1 of 4 stars; one submission).

Submission:

Greenwood Genetic Center Diagnostic Laboratories, Greenwood Genetic Center
Classification: Uncertain significance. Last evaluated: 2024-02-14. Review status: criteria provided, single submitter. Criteria: ACMG Guidelines, 2015. Collection method: clinical testing. Allele origin: germline. Affected: yes.
Comment: Gene of Uncertain Significance